The following is an entry in ClinVar:

NM_138383.3(MTSS2):c.2081C>T (p.Pro694Leu)

Gene: MTSS2 (MTSS I-BAR domain containing 2; minus strand). Cytogenetic location: 16q22.1.
Variant type: single nucleotide variant.
Coding change: c.2081C>T on transcript NM_138383.3 (MANE Select); coding-DNA position 2081, C replaced by T.
Protein change: p.Pro694Leu; replaces proline 694 with leucine.
Molecular consequence: missense variant.
Genome position (GRCh38, 1-based): chr16:70,663,840, G>A on the plus strand (C>T on the coding strand, the complement: MTSS2 is on the minus strand). VCF-style: chr16-70663840-G-A. GRCh37 (hg19) VCF-style: chr16-70697743-G-A.
Other names: short protein forms P694L.
Identifiers: ClinVar variation 3391247 (VCV003391247.1).

ClinVar aggregate classification (germline): Uncertain significance (1 of 4 stars; one submission).

Conditions:
Intellectual developmental disorder with ocular anomalies and distinctive facial features (IDDOF). Identifiers: MedGen C5774238, MONDO:0859303, OMIM 620086.

Submission:

Neuberg Centre For Genomic Medicine, NCGM
Classification: Uncertain significance for Intellectual developmental disorder with ocular anomalies and distinctive facial features. Last evaluated: 2023-07-22. Review status: criteria provided, single submitter. Criteria: ACMG Guidelines, 2015. Collection method: clinical testing. Allele origin: germline. Inheritance: Autosomal dominant inheritance. Affected: yes.
Comment: The observed missense variant c.2081C>Tp.Pro694Leu in MTSS2 gene has not been reported previously as a pathogenic variant nor as a benign variant, to our knowledge. The observed variant is absent in gnomAD exomes database. This variant has not been submitted to the ClinVar database. Multiple lines of computational evidence Polyphen - possibly damaging, SIFT - damaging and MutationTaster - disease causing predict a damaging effect on protein structure and function for this variant. The reference amino acid of p.Pro694Leu in MTSS2 is predicted as conserved by GERP++ and PhyloP across 100 vertebrates. The amino acid Pro at position 694 is changed to a Leu changing protein sequence and it might alter its composition and physico-chemical properties. For these reasons, this variant has been classified as uncertain Significance VUS.